The following is an entry in ClinVar:

ClinVar aggregate classification (germline): Benign/Likely benign. Review status: criteria provided, multiple submitters, no conflicts (2 of 4 stars). 3 submissions from 3 submitters: Benign (1); Likely benign (2). Last evaluated 2025-11-15.

Conditions:
Microcephalic osteodysplastic primordial dwarfism type II (MOPD2). Also called: MOPD II; OSTEODYSPLASTIC PRIMORDIAL DWARFISM, TYPE II; Microcephalic osteodysplastic primordial dwarfism with tooth abnormalities. Identifiers: Orphanet 2637, MedGen C0432246, MONDO:0008872, OMIM 210720.

Allele frequency attached by ClinVar (database versions not stated): ESP Exome Variant Server 0.00008; ExAC 0.00012; gnomAD exomes 0.00018; TOPMed 0.00026; gnomAD 0.00027 and 0.00029.
gnomAD v4.1: 537 of 1,610,874 alleles (0.033%); highest among the groups gnomAD compares: Non-Finnish European, 0.044%; 2 homozygotes.

Submissions (3):

Labcorp Genetics (formerly Invitae), Labcorp
Classification: Benign. Last evaluated: 2025-11-15. Review status: criteria provided, single submitter. Criteria: Invitae Variant Classification Sherloc (09022015). Collection method: clinical testing. Allele origin: germline.

ARUP Laboratories, Molecular Genetics and Genomics, ARUP Laboratories
Classification: Likely benign for Microcephalic osteodysplastic primordial dwarfism type II. Last evaluated: 2023-09-06. Review status: criteria provided, single submitter. Criteria: ARUP Molecular Germline Variant Investigation Process 2024. Collection method: clinical testing. Allele origin: germline.

GeneDx
Classification: Likely benign. Last evaluated: 2017-05-10. Review status: criteria provided, single submitter. Criteria: GeneDx Variant Classification (06012015). Collection method: clinical testing. Allele origin: germline. Affected: yes.
Comment: This variant is considered likely benign or benign based on one or more of the following criteria: it is a conservative change, it occurs at a poorly conserved position in the protein, it is predicted to be benign by multiple in silico algorithms, and/or has population frequency not consistent with disease.

NM_006031.6(PCNT):c.9967+18C>T

Gene: PCNT (pericentrin; plus strand). Cytogenetic location: 21q22.3.
Variant type: single nucleotide variant.
Coding change: c.9967+18C>T on transcript NM_006031.6 (MANE Select); 18 bases into the intron after coding-DNA position 9967, C replaced by T.
Molecular consequence: intron variant.
Genome position (GRCh38, 1-based): chr21:46,444,839, C>T. VCF-style: chr21-46444839-C-T. GRCh37 (hg19) VCF-style: chr21-47864752-C-T.
Other names: c.9376+18C>T (NM_001315529.2).
Identifiers: ClinVar variation 509576 (VCV000509576.9), dbSNP rs369414311, ClinGen allele CA10081565.
Genomic context (GRCh38, chr21:46,444,839, plus strand): 5'-CATTTAGAAGTGATCCAGCAAAGATTGGGAGGGGTACTACCAGGTAATGCAAGTCCTCGC[C>T]GAGTATTTATTAAGCTGATTATCACTGTACCCTGGAAACGTAGGGTCTGTTGAAAGATGG-3'